The following is an entry in ClinVar:

ClinVar aggregate classification (germline): Pathogenic. Review status: criteria provided, single submitter (1 of 4 stars). 2 submissions from 2 submitters: Pathogenic (1). 1 of the submissions does not count toward it. Last evaluated 2023-12-13.

Conditions:
Early onset severe obesity. Identifiers: MedGen C4013980.
MC4R-related disorder. Also called: MC4R-related condition.

Allele frequency attached by ClinVar (database versions not stated): TOPMed below 0.00001; ExAC 0.00001.
gnomAD v4.1: 15 of 1,614,206 alleles (0.00093%); highest among the groups gnomAD compares: African/African-American, 0.0013%; no homozygotes.

Submissions (2):

Cambridge Genomics Laboratory, East Genomic Laboratory Hub, NHS Genomic Medicine Service
Classification: Pathogenic for Severe early-onset obesity. Last evaluated: 2023-12-13. Review status: criteria provided, single submitter. Criteria: ACGS Best Practice Guidelines for Variant Classification in Rare Disease 2020. Collection method: clinical testing. Allele origin: germline. Affected: yes.
Comment: The missense variant NM_005912.3(MC4R):c.305T>C (p.Ile102Thr) causes a change at the same amino acid residue as a previously established pathogenic variant. (PM5 - Moderate) | The p.Ile102Thr variant is observed in 1/113.738 (0.0009%) alleles from individuals of gnomAD Non Finnish European background in gnomAD All. The p.Ile102Thr variant is novel (not in any individuals) in 1kG All. The p.Ile102Thr variant is novel (not in any individuals) in gnomAD Genomes v3 All. (PM2 - Moderate) | (PM1 - Moderate) | Functional studies demonstrate that this variant has a damaging effect on the gene or gene product (PS3 - Strong) | The patient's phenotype or family history is highly specific for a disease with a single genetic etiology. (PP4 - Supporting)

PreventionGenetics, part of Exact Sciences
Classification: Likely pathogenic for MC4R-related condition. Last evaluated: 2024-01-25. Review status: no assertion criteria provided. Collection method: clinical testing. Allele origin: germline. Not counted in ClinVar's aggregate classification.
Comment: The MC4R c.305T>C variant is predicted to result in the amino acid substitution p.Ile102Thr. This variant was originally reported in a study of MC4R-related obesity (Lubrano-Berthelier et al 2003. PubMed ID: 12851297). Multiple functional studies indicated that this missense change showed impaired ligand binding (Tao. 2005 et al. PubMed ID: 16030156; He et al. 2014. PubMed ID: 25332687) and reduced basal activity relative to wild-type (Lubrano-Berthelier et al. 2006. PubMed ID: 16507637). An alternative missense change at the same amino acid position (Ile102Ser) was also documented in multiple individuals with obesity (Dubern et al. 2001. PubMed ID: 11487744). This variant is reported in 0.00088% of alleles in individuals of European (Non-Finnish) descent in gnomAD. This variant is interpreted as likely pathogenic.

NM_005912.3(MC4R):c.305T>C (p.Ile102Thr)

Gene: MC4R (melanocortin 4 receptor; minus strand). Cytogenetic location: 18q21.32.
Variant type: single nucleotide variant.
Coding change: c.305T>C on transcript NM_005912.3 (MANE Select); coding-DNA position 305, T replaced by C.
Protein change: p.Ile102Thr; replaces isoleucine 102 with threonine.
Molecular consequence: missense variant.
Genome position (GRCh38, 1-based): chr18:60,372,045, A>G on the plus strand (T>C on the coding strand, the complement: MC4R is on the minus strand). VCF-style: chr18-60372045-A-G. GRCh37 (hg19) VCF-style: chr18-58039278-A-G.
Other names: short protein forms I102T.
Identifiers: ClinVar variation 2634476 (VCV002634476.4), dbSNP rs121913559, ClinGen allele CA8980942.